The following is an entry in ClinVar:

ClinVar aggregate classification (germline): Uncertain significance. Review status: criteria provided, multiple submitters, no conflicts (2 of 4 stars). 2 submissions from 2 submitters: Uncertain significance (2). Last evaluated 2021-11-22.

Allele frequency attached by ClinVar (database versions not stated): gnomAD 0.00001; TOPMed 0.00003; ExAC 0.00005; gnomAD exomes 0.00008.
gnomAD v4.1: 26 of 1,613,542 alleles (0.0016%); highest among the groups gnomAD compares: Admixed American, 0.043%; no homozygotes.

Submissions (2):

Labcorp Genetics (formerly Invitae), Labcorp
Classification: Uncertain significance. Last evaluated: 2021-11-22. Review status: criteria provided, single submitter. Criteria: Invitae Variant Classification Sherloc (09022015). Collection method: clinical testing. Allele origin: germline.
Comment: This sequence change replaces valine, which is neutral and non-polar, with isoleucine, which is neutral and non-polar, at codon 18 of the CD59 protein (p.Val18Ile). This variant is present in population databases (rs745311147, gnomAD 0.07%). This variant has not been reported in the literature in individuals affected with CD59-related conditions. Algorithms developed to predict the effect of missense changes on protein structure and function output the following: SIFT: "Deleterious"; PolyPhen-2: "Possibly Damaging"; Align-GVGD: "Class C0". The isoleucine amino acid residue is found in multiple mammalian species, which suggests that this missense change does not adversely affect protein function. In summary, the available evidence is currently insufficient to determine the role of this variant in disease. Therefore, it has been classified as a Variant of Uncertain Significance.

Blueprint Genetics
Classification: Uncertain significance. Last evaluated: 2018-12-13. Review status: criteria provided, single submitter. Criteria: ACMG Guidelines, 2015. Collection method: clinical testing. Allele origin: germline.

NM_000611.6(CD59):c.52G>A (p.Val18Ile)

Gene: CD59 (CD59 molecule (CD59 blood group); minus strand). Cytogenetic location: 11p13.
Variant type: single nucleotide variant.
Coding change: c.52G>A on transcript NM_000611.6 (MANE Select); coding-DNA position 52, G replaced by A.
Protein change: p.Val18Ile; replaces valine 18 with isoleucine.
Molecular consequence: missense variant.
Genome position (GRCh38, 1-based): chr11:33,722,394, C>T on the plus strand (G>A on the coding strand, the complement: CD59 is on the minus strand). VCF-style: chr11-33722394-C-T. GRCh37 (hg19) VCF-style: chr11-33743940-C-T.
Other names: c.52G>A, p.Val18Ile (NM_001127223.1, NM_001127225.2, NM_001127226.2 and 4 more transcripts); short protein forms V18I.
Identifiers: ClinVar variation 1404258 (VCV001404258.4), dbSNP rs745311147, ClinGen allele CA5940797.